The following is an entry in ClinVar:

ClinVar aggregate classification (germline): Conflicting classifications of pathogenicity. Review status: criteria provided, conflicting classifications (1 of 4 stars). 2 submissions from 2 submitters: Likely pathogenic (1); Uncertain significance (1). Last evaluated 2025-01-09.

Conditions:
Developmental and epileptic encephalopathy 6B. Also called: Developmental and epileptic encephalopathy 6B, non-Dravet. Identifiers: MedGen C5543353, MONDO:0030268, OMIM 619317.
Generalized epilepsy with febrile seizures plus, type 2 (GEFSP2). Also called: GEFS+, TYPE 2. Identifiers: Orphanet 36387, MedGen C1858673, MONDO:0011461, OMIM 604403.

Allele frequency attached by ClinVar (database versions not stated): gnomAD exomes below 0.00001.
gnomAD v4.1: 1 of 1,612,390 alleles (0.000062%); highest among the groups gnomAD compares: Non-Finnish European, 0.000085%; no homozygotes.

Submissions (2):

Department of Neurology, Zibo Changguo Hospital
Classification: Likely pathogenic for Generalized epilepsy with febrile seizures plus, type 2; Developmental and epileptic encephalopathy 6B. Last evaluated: 2025-01-09. Review status: criteria provided, single submitter. Criteria: ACMG Guidelines, 2015. Collection method: clinical testing. Allele origin: paternal. Inheritance: Autosomal dominant inheritance. Affected: yes.
Comment: PM1, PM2_Supporting, PM5, PP2, PP3_Moderate

Neuberg Centre For Genomic Medicine, NCGM
Classification: Uncertain significance for Generalized epilepsy with febrile seizures plus, type 2. Review status: criteria provided, single submitter. Criteria: ACMG Guidelines, 2015. Collection method: clinical testing. Allele origin: germline. Affected: yes.
Comment: The missense variant p.M251V in SCN1A (NM_001165963.4) has not been reported previously as a pathogenic nor a benign variant to the best of our knowledge. Another missense mutation affecting the same residue M251R has been previously reported to be disease causing. The p.M251V variant is novel (not in any individuals) in gnomAD Exomes and is novel (not in any individuals) in 1000 Genomes. The p.M251V missense variant is predicted to be damaging by both SIFT and PolyPhen2. The methionine residue at codon 251 of SCN1A is conserved in all mammalian species. The nucleotide c.751 in SCN1A is predicted conserved by GERP++ and PhyloP across 100 vertebrates. For these reasons, this variant has been classified as Uncertain Significance.

NM_001165963.4(SCN1A):c.751A>G (p.Met251Val)

Gene: SCN1A (sodium voltage-gated channel alpha subunit 1; minus strand). Cytogenetic location: 2q24.3.
Variant type: single nucleotide variant.
Coding change: c.751A>G on transcript NM_001165963.4 (MANE Select); coding-DNA position 751, A replaced by G.
Protein change: p.Met251Val; replaces methionine 251 with valine.
Molecular consequence: missense variant. On other transcripts: 5 prime UTR variant (1), non-coding transcript variant (1).
Genome position (GRCh38, 1-based): chr2:166,051,932, T>C on the plus strand (A>G on the coding strand, the complement: SCN1A is on the minus strand). VCF-style: chr2-166051932-T-C. GRCh37 (hg19) VCF-style: chr2-166908442-T-C.
Other names: c.751A>G, p.Met251Val (NM_001165964.3, NM_001202435.3, NM_001353948.2 and 10 more transcripts); c.-1675A>G (NM_001353961.2); short protein forms M251V.
Identifiers: ClinVar variation 1339029 (VCV001339029.3), dbSNP rs2105890375, ClinGen allele CA349073607.
Genomic context (GRCh38, chr2:166,051,932, plus strand): 5'-CCATGAACAGCTGCAGCCCAATTAGAGCAAATACGCTCAGACAGAACACAGTCAGGATCA[T>C]TACATCTGAGAGCTTCTTCACAGACTGGATCAGGGCTCCCACAATGGTTTTCAGGCCTGA-3'
Protein context (NP_001159435.1, residues 241-261): IQSVKKLSDV[Met251Val]ILTVFCLSVF